The following is an entry in ClinVar:

NM_198578.4(LRRK2):c.775G>T (p.Ala259Ser)

Gene: LRRK2 (leucine rich repeat kinase 2; plus strand). Cytogenetic location: 12q12.
Variant type: single nucleotide variant.
Coding change: c.775G>T on transcript NM_198578.4 (MANE Select); coding-DNA position 775, G replaced by T.
Protein change: p.Ala259Ser; replaces alanine 259 with serine.
Molecular consequence: missense variant.
Genome position (GRCh38, 1-based): chr12:40,243,618, G>T. VCF-style: chr12-40243618-G-T. GRCh37 (hg19) VCF-style: chr12-40637420-G-T.
Other names: c.775G>T (NM_198578.3); short protein forms A259S.
Identifiers: ClinVar variation 2857905 (VCV002857905.4), dbSNP rs945483093, ClinGen allele CA235354490.

ClinVar aggregate classification (germline): Uncertain significance. Review status: criteria provided, multiple submitters, no conflicts (2 of 4 stars). 2 submissions from 2 submitters: Uncertain significance (2). Last evaluated 2025-11-23.

Conditions:
Autosomal dominant Parkinson disease 8. Also called: LRRK2-Related Parkinson Disease; Parkinson disease 8; Parkinson disease 8, susceptibility to. Identifiers: Orphanet 411602, MedGen C1846862, MONDO:0011764, OMIM 607060.
Inborn genetic diseases. Identifiers: MedGen C0950123, MeSH D030342.

Allele frequency attached by ClinVar (database versions not stated): TOPMed below 0.00001; gnomAD 0.00001.
gnomAD v4.1: 24 of 1,612,040 alleles (0.0015%); highest among the groups gnomAD compares: Middle Eastern, 0.016%; no homozygotes.

Submissions (2):

Ambry Genetics
Classification: Uncertain significance for Inborn genetic diseases. Last evaluated: 2025-11-23. Review status: criteria provided, single submitter. Criteria: Ambry Variant Classification Scheme 2023. Collection method: clinical testing. Allele origin: germline.

Labcorp Genetics (formerly Invitae), Labcorp
Classification: Uncertain significance for Autosomal dominant Parkinson disease 8. Last evaluated: 2022-11-01. Review status: criteria provided, single submitter. Criteria: Invitae Variant Classification Sherloc (09022015). Collection method: clinical testing. Allele origin: germline.
Comment: In summary, the available evidence is currently insufficient to determine the role of this variant in disease. Therefore, it has been classified as a Variant of Uncertain Significance. Algorithms developed to predict the effect of missense changes on protein structure and function (SIFT, PolyPhen-2, Align-GVGD) all suggest that this variant is likely to be tolerated. This variant has not been reported in the literature in individuals affected with LRRK2-related conditions. This variant is present in population databases (no rsID available, gnomAD 0.01%). This sequence change replaces alanine, which is neutral and non-polar, with serine, which is neutral and polar, at codon 259 of the LRRK2 protein (p.Ala259Ser).